The following is an entry in ClinVar:

ClinVar aggregate classification (germline): Uncertain significance. Review status: criteria provided, multiple submitters, no conflicts (2 of 4 stars). 3 submissions from 3 submitters: Uncertain significance (3). Last evaluated 2023-02-22.

Conditions:
Finnish congenital nephrotic syndrome (NPHS1). Also called: NEPHROTIC SYNDROME, TYPE 1. Identifiers: Orphanet 839, MedGen C0403399, MONDO:0009732, OMIM 256300.
Inborn genetic diseases. Identifiers: MedGen C0950123, MeSH D030342.

Allele frequency attached by ClinVar (database versions not stated): gnomAD exomes 0.00002; ExAC 0.00003; TOPMed 0.00003; gnomAD 0.00004; ESP Exome Variant Server 0.00008.
gnomAD v4.1: 61 of 1,613,192 alleles (0.0038%); highest among the groups gnomAD compares: Non-Finnish European, 0.0047%; no homozygotes.

Submissions (3):

Ambry Genetics
Classification: Uncertain significance for Inborn genetic diseases. Last evaluated: 2023-02-22. Review status: criteria provided, single submitter. Criteria: Ambry Variant Classification Scheme 2023. Collection method: clinical testing. Allele origin: germline.

Fulgent Genetics
Classification: Uncertain significance for Finnish congenital nephrotic syndrome. Last evaluated: 2021-11-04. Review status: criteria provided, single submitter. Criteria: ACMG Guidelines, 2015. Collection method: clinical testing. Allele origin: unknown.

Labcorp Genetics (formerly Invitae), Labcorp
Classification: Uncertain significance. Last evaluated: 2021-10-14. Review status: criteria provided, single submitter. Criteria: Invitae Variant Classification Sherloc (09022015). Collection method: clinical testing. Allele origin: germline.
Comment: This sequence change replaces proline with threonine at codon 845 of the NPHS1 protein (p.Pro845Thr). The proline residue is moderately conserved and there is a small physicochemical difference between proline and threonine. This variant is present in population databases (rs375108899, ExAC 0.005%). This variant has not been reported in the literature in individuals affected with NPHS1-related conditions. Algorithms developed to predict the effect of missense changes on protein structure and function output the following: SIFT: "Tolerated"; PolyPhen-2: "Benign"; Align-GVGD: "Class C0". The threonine amino acid residue is found in multiple mammalian species, which suggests that this missense change does not adversely affect protein function. In summary, the available evidence is currently insufficient to determine the role of this variant in disease. Therefore, it has been classified as a Variant of Uncertain Significance.

NM_004646.4(NPHS1):c.2533C>A (p.Pro845Thr)

Gene: NPHS1 (NPHS1 adhesion molecule, nephrin; minus strand). Cytogenetic location: 19q13.12.
Variant type: single nucleotide variant.
Coding change: c.2533C>A on transcript NM_004646.4 (MANE Select); coding-DNA position 2533, C replaced by A.
Protein change: p.Pro845Thr; replaces proline 845 with threonine.
Molecular consequence: missense variant.
Genome position (GRCh38, 1-based): chr19:35,842,254, G>T on the plus strand (C>A on the coding strand, the complement: NPHS1 is on the minus strand). VCF-style: chr19-35842254-G-T. GRCh37 (hg19) VCF-style: chr19-36333156-G-T.
Other names: c.2533C>A (NM_004646.3); short protein forms P845T.
Identifiers: ClinVar variation 1422383 (VCV001422383.7), dbSNP rs375108899, ClinGen allele CA9390090.